The following is an entry in ClinVar:

NM_006445.4(PRPF8):c.1720-7A>G

Gene: PRPF8 (pre-mRNA processing factor 8; minus strand). Cytogenetic location: 17p13.3.
Variant type: single nucleotide variant.
Coding change: c.1720-7A>G on transcript NM_006445.4 (MANE Select); 7 bases into the intron before coding-DNA position 1720, A replaced by G.
Molecular consequence: intron variant.
Genome position (GRCh38, 1-based): chr17:1,678,659, T>C on the plus strand (A>G on the coding strand, the complement: PRPF8 is on the minus strand). VCF-style: chr17-1678659-T-C. GRCh37 (hg19) VCF-style: chr17-1581953-T-C.
Identifiers: ClinVar variation 889126 (VCV000889126.36), dbSNP rs200224854, ClinGen allele CA8272263.

ClinVar aggregate classification (germline): Conflicting classifications of pathogenicity. Review status: criteria provided, conflicting classifications (1 of 4 stars). 4 submissions from 4 submitters: Uncertain significance (1); Likely benign (3). Last evaluated 2026-04-01.

Conditions:
Retinitis pigmentosa (RP). Identifiers: Orphanet 791, MedGen C0035334, MeSH D012174, MONDO:0019200, OMIM 268000. Inheritance: Autosomal dominant, autosomal recessive and X linked inheritance.

Allele frequency attached by ClinVar (database versions not stated): gnomAD exomes 0.00026 and 0.00069; ExAC 0.00029; gnomAD 0.00039; TOPMed 0.00040; ESP Exome Variant Server 0.00054.
gnomAD v4.1: 1,083 of 1,613,988 alleles (0.067%); highest among the groups gnomAD compares: Non-Finnish European, 0.086%; no homozygotes.

Submissions (4):

CeGaT Center for Human Genetics Tuebingen
Classification: Likely benign. Last evaluated: 2026-04-01. Review status: criteria provided, single submitter. Criteria: CeGaT Center For Human Genetics Tuebingen Variant Classification Criteria Version 2. Collection method: clinical testing. Allele origin: germline. Affected: yes. Observed: 2 variant alleles.
Comment: PRPF8: BP4

Labcorp Genetics (formerly Invitae), Labcorp
Classification: Likely benign. Last evaluated: 2026-01-09. Review status: criteria provided, single submitter. Criteria: Invitae Variant Classification Sherloc (09022015). Collection method: clinical testing. Allele origin: germline.

Blueprint Genetics
Classification: Likely benign. Last evaluated: 2024-11-13. Review status: criteria provided, single submitter. Criteria: ACMG Guidelines, 2015. Collection method: clinical testing. Allele origin: germline.

Illumina Laboratory Services, Illumina
Classification: Uncertain significance for Retinitis pigmentosa. Last evaluated: 2018-01-13. Review status: criteria provided, single submitter. Criteria: ICSL Variant Classification Criteria 13 December 2019. Collection method: clinical testing. Allele origin: germline.